The following is an entry in ClinVar:

NM_006348.5(COG5):c.1783C>G (p.Pro595Ala)

Gene: COG5 (component of oligomeric golgi complex 5; minus strand). Cytogenetic location: 7q22.3.
Variant type: single nucleotide variant.
Coding change: c.1783C>G on transcript NM_006348.5 (MANE Select); coding-DNA position 1783, C replaced by G.
Protein change: p.Pro595Ala; replaces proline 595 with alanine.
Molecular consequence: missense variant.
Genome position (GRCh38, 1-based): chr7:107,248,466, G>C on the plus strand (C>G on the coding strand, the complement: COG5 is on the minus strand). VCF-style: chr7-107248466-G-C. GRCh37 (hg19) VCF-style: chr7-106888911-G-C.
Other names: c.1783C>G, p.Pro595Ala (NM_001161520.2, NM_001379513.1, NM_001379514.1); c.1621C>G, p.Pro541Ala (NM_001379511.1); c.1609C>G, p.Pro537Ala (NM_001379512.1); c.1213C>G, p.Pro405Ala (NM_001379515.1); c.1069C>G, p.Pro357Ala (NM_001379516.1); c.1720C>G, p.Pro574Ala (NM_181733.4); short protein forms P357A, P405A, P537A, P541A, P574A, P595A.
Identifiers: ClinVar variation 1498570 (VCV001498570.8), dbSNP rs1802220416, ClinGen allele CA368940439.

ClinVar aggregate classification (germline): Uncertain significance (1 of 4 stars; one submission).

Conditions:
COG5-congenital disorder of glycosylation. Also called: CONGENITAL DISORDER OF GLYCOSYLATION, TYPE IIi; CDG IIi; COG5-CDG. Identifiers: Orphanet 263487, MedGen C3150876, MONDO:0013325, OMIM 613612.

Allele frequency attached by ClinVar (database versions not stated): TOPMed below 0.00001.

Submission:

Labcorp Genetics (formerly Invitae), Labcorp
Classification: Uncertain significance for COG5-congenital disorder of glycosylation. Last evaluated: 2024-02-23. Review status: criteria provided, single submitter. Criteria: Invitae Variant Classification Sherloc (09022015). Collection method: clinical testing. Allele origin: germline.
Comment: This sequence change replaces proline, which is neutral and non-polar, with alanine, which is neutral and non-polar, at codon 626 of the COG5 protein (p.Pro626Ala). This variant is not present in population databases (gnomAD no frequency). This variant has not been reported in the literature in individuals affected with COG5-related conditions. ClinVar contains an entry for this variant (Variation ID: 1498570). An algorithm developed to predict the effect of missense changes on protein structure and function (PolyPhen-2) suggests that this variant is likely to be disruptive. In summary, the available evidence is currently insufficient to determine the role of this variant in disease. Therefore, it has been classified as a Variant of Uncertain Significance.